The following is an entry in ClinVar:

NM_170665.4(ATP2A2):c.2742-6C>T

Gene: ATP2A2 (ATPase sarcoplasmic/endoplasmic reticulum Ca2+ transporting 2; plus strand). Cytogenetic location: 12q24.11.
Variant type: single nucleotide variant.
Coding change: c.2742-6C>T on transcript NM_170665.4 (MANE Select); 6 bases into the intron before coding-DNA position 2742, C replaced by T.
Molecular consequence: intron variant.
Genome position (GRCh38, 1-based): chr12:110,345,995, C>T. VCF-style: chr12-110345995-C-T. GRCh37 (hg19) VCF-style: chr12-110783800-C-T.
Other names: c.2742-6C>T (NM_001681.4).
Identifiers: ClinVar variation 307184 (VCV000307184.12), dbSNP rs201579013, ClinGen allele CA6784211.

ClinVar aggregate classification (germline): Benign. Review status: criteria provided, multiple submitters, no conflicts (2 of 4 stars). 4 submissions from 3 submitters: Benign (4). Last evaluated 2024-10-30.

Conditions:
Acrokeratosis verruciformis of Hopf (AKV). Also called: Acrokeratosis verruciformis; HOPF DISEASE. Identifiers: Orphanet 79151, MedGen C0265971, MONDO:0007048, OMIM 101900.
Keratosis follicularis (DAR). Also called: Darier disease; Darier's disease. Identifiers: Orphanet 218, MedGen C0022595, MONDO:0007417, OMIM 124200.

Allele frequency attached by ClinVar (database versions not stated): gnomAD 0.00001 and 0.00004; TOPMed 0.00001; gnomAD exomes 0.00008 and 0.00011; ExAC 0.00015.
gnomAD v4.1: 127 of 1,614,126 alleles (0.0079%); highest among the groups gnomAD compares: South Asian, 0.074%; 3 homozygotes.

Submissions (4):

Labcorp Genetics (formerly Invitae), Labcorp
Classification: Benign. Last evaluated: 2024-10-30. Review status: criteria provided, single submitter. Criteria: Invitae Variant Classification Sherloc (09022015). Collection method: clinical testing. Allele origin: germline.

Genome-Nilou Lab
Classification: Benign for Acrokeratosis verruciformis of Hopf. Last evaluated: 2021-12-05. Review status: criteria provided, single submitter. Criteria: ACMG Guidelines, 2015. Collection method: clinical testing. Allele origin: germline. Affected: no.

Genome-Nilou Lab
Classification: Benign for Keratosis follicularis. Last evaluated: 2021-12-05. Review status: criteria provided, single submitter. Criteria: ACMG Guidelines, 2015. Collection method: clinical testing. Allele origin: germline. Affected: no.

Illumina Laboratory Services, Illumina
Classification: Benign for Keratosis follicularis. Last evaluated: 2018-01-13. Review status: criteria provided, single submitter. Criteria: ICSL Variant Classification Criteria 13 December 2019. Collection method: clinical testing. Allele origin: germline.
Comment: This variant was observed in the ICSL laboratory as part of a predisposition screen in an ostensibly healthy population. It had not been previously curated by ICSL or reported in the Human Gene Mutation Database (HGMD: prior to June 1st, 2018), and was therefore a candidate for classification through an automated scoring system. Utilizing variant allele frequency, disease prevalence and penetrance estimates, and inheritance mode, an automated score was calculated to assess if this variant is too frequent to cause the disease. Based on the score and internal cut-off values, a variant classified as benign is not then subjected to further curation. The score for this variant resulted in a classification of benign for this disease.